The following is an entry in ClinVar:

NM_002225.5(IVD):c.287-1G>A

Gene: IVD (isovaleryl-CoA dehydrogenase; plus strand). Cytogenetic location: 15q15.1.
Variant type: single nucleotide variant.
Coding change: c.287-1G>A on transcript NM_002225.5 (MANE Select); the canonical splice acceptor site of the intron before coding-DNA position 287, G replaced by A.
Molecular consequence: splice acceptor variant.
Genome position (GRCh38, 1-based): chr15:40,410,627, G>A. VCF-style: chr15-40410627-G-A. GRCh37 (hg19) VCF-style: chr15-40702826-G-A.
Other names: c.374-1G>A (NM_001354600.3, NM_001354599.3); c.287-1G>A (NM_001354598.3, NM_001354601.3); c.239-1G>A (NM_001354597.3); c.197-1G>A (NM_001159508.3).
Identifiers: ClinVar variation 552580 (VCV000552580.14), dbSNP rs1398838997, ClinGen allele CA391716111.
Genomic context (GRCh38, chr15:40,410,627, plus strand): 5'-ATGAATGTCCCGATTTAATCTGGGCTGCGTTTTCCACTCCCTTGTACCACACCACTCACA[G>A]TTCAGTATGGCGGCTCCGGCCTGGGCTACCTGGAGCATGTGCTGGTGATGGAGGAGATAT-3'

ClinVar aggregate classification (germline): Pathogenic/Likely pathogenic. Review status: criteria provided, multiple submitters, no conflicts (2 of 4 stars). 4 submissions from 4 submitters: Pathogenic (2); Likely pathogenic (1). 1 of the submissions does not count toward it. Last evaluated 2026-01-30.

Conditions:
Isovaleryl-CoA dehydrogenase deficiency (IVA). Also called: Classic Isovaleric Acidemia; ISOVALERIC ACID CoA DEHYDROGENASE DEFICIENCY; Isovaleric acidemia; IVD DEFICIENCY. Identifiers: Orphanet 33, MedGen C0268575, MONDO:0009475, OMIM 243500.

Allele frequency attached by ClinVar (database versions not stated): gnomAD exomes below 0.00001; TOPMed 0.00001; gnomAD 0.00003 and 0.00004.

Submissions (4):

Natera, Inc.
Classification: Pathogenic for Isovaleryl-coa dehydrogenase deficiency. Last evaluated: 2026-01-30. Review status: criteria provided, single submitter. Criteria: Natera Variant Classification Schema (03/2026). Collection method: clinical testing. Allele origin: germline.
Comment: The c.296-1G>A variant in IVD is a canonical splice acceptor site variant predicted to affect pre-mRNA splicing, which may result in an abnormal transcript and altered protein product. This variant is expected to result in nonsense mediated decay, truncation, or a dysfunctional protein product. This variant is rare in the general population with a frequency below the threshold expected for the associated phenotype(s). Another variant at this same site results in an alteration predicted to cause a similar molecular effect has been observed in individual(s) with the associated phenotype. Given the available evidence, this variant is classified as Pathogenic.

Labcorp Genetics (formerly Invitae), Labcorp
Classification: Pathogenic for Isovaleryl-CoA dehydrogenase deficiency. Last evaluated: 2024-12-18. Review status: criteria provided, single submitter. Criteria: Invitae Variant Classification Sherloc (09022015). Collection method: clinical testing. Allele origin: germline.
Comment: This sequence change affects an acceptor splice site in intron 3 of the IVD gene. It is expected to disrupt RNA splicing. Variants that disrupt the donor or acceptor splice site typically lead to a loss of protein function (PMID: 16199547), and loss-of-function variants in IVD are known to be pathogenic (PMID: 16602101). This variant is present in population databases (no rsID available, gnomAD 0.05%). Disruption of this splice site has been observed in individuals with isovaleric acidemia (internal data). ClinVar contains an entry for this variant (Variation ID: 552580). Algorithms developed to predict the effect of sequence changes on RNA splicing suggest that this variant may disrupt the consensus splice site. For these reasons, this variant has been classified as Pathogenic.

Baylor Genetics
Classification: Likely pathogenic for Isovaleryl-CoA dehydrogenase deficiency. Last evaluated: 2024-02-27. Review status: criteria provided, single submitter. Criteria: ACMG Guidelines, 2015. Collection method: clinical testing. Allele origin: unknown.

Counsyl
Classification: Likely pathogenic for Isovaleryl-CoA dehydrogenase deficiency. Last evaluated: 2017-06-15. Review status: no assertion criteria provided. Collection method: clinical testing. Allele origin: unknown. Not counted in ClinVar's aggregate classification.

Literature cited by the submitters: PubMed 16199547 (cited by Labcorp Genetics (formerly Invitae), Labcorp); PubMed 16602101 (cited by Labcorp Genetics (formerly Invitae), Labcorp).